The following is an entry in ClinVar:

NM_033026.6(PCLO):c.11578C>G (p.Pro3860Ala)

Gene: PCLO (piccolo presynaptic cytomatrix protein; minus strand). Cytogenetic location: 7q21.11.
Variant type: single nucleotide variant.
Coding change: c.11578C>G on transcript NM_033026.6 (MANE Select); coding-DNA position 11578, C replaced by G.
Protein change: p.Pro3860Ala; replaces proline 3860 with alanine.
Molecular consequence: missense variant.
Genome position (GRCh38, 1-based): chr7:82,916,408, G>C on the plus strand (C>G on the coding strand, the complement: PCLO is on the minus strand). VCF-style: chr7-82916408-G-C. GRCh37 (hg19) VCF-style: chr7-82545724-G-C.
Other names: c.11578C>G, p.Pro3860Ala (NM_014510.3); short protein forms P3860A.
Identifiers: ClinVar variation 1369166 (VCV001369166.8), dbSNP rs1794464164, ClinGen allele CA367893495.

ClinVar aggregate classification (germline): Uncertain significance (1 of 4 stars; one submission).

Allele frequency attached by ClinVar (database versions not stated): gnomAD exomes below 0.00001.
gnomAD v4.1: 1 of 1,613,720 alleles (0.000062%); highest among the groups gnomAD compares: Non-Finnish European, 0.000085%; no homozygotes.

Submission:

Labcorp Genetics (formerly Invitae), Labcorp
Classification: Uncertain significance. Last evaluated: 2021-02-02. Review status: criteria provided, single submitter. Criteria: Invitae Variant Classification Sherloc (09022015). Collection method: clinical testing. Allele origin: germline.
Comment: This sequence change replaces proline with alanine at codon 3860 of the PCLO protein (p.Pro3860Ala). The proline residue is moderately conserved and there is a small physicochemical difference between proline and alanine. This variant is not present in population databases (ExAC no frequency). This variant has not been reported in the literature in individuals with PCLO-related conditions. Algorithms developed to predict the effect of missense changes on protein structure and function are either unavailable or do not agree on the potential impact of this missense change (SIFT: "Deleterious"; PolyPhen-2: "Not Available"; Align-GVGD: "Class C0"). In summary, the available evidence is currently insufficient to determine the role of this variant in disease. Therefore, it has been classified as a Variant of Uncertain Significance.